The following is an entry in ClinVar:

ClinVar aggregate classification (germline): Uncertain significance. Review status: criteria provided, multiple submitters, no conflicts (2 of 4 stars). 5 submissions from 5 submitters: Uncertain significance (5). Last evaluated 2024-12-06.

Conditions:
Inborn genetic diseases. Identifiers: MedGen C0950123, MeSH D030342.
Fanconi anemia complementation group A (FANCA). Also called: Fanconi anemia, group A; FANCA-Related Fanconi Anemia. Identifiers: Orphanet 84, MedGen C3469521, MONDO:0009215, OMIM 227650.
Fanconi anemia (FA). Also called: Fanconi's anemia. Identifiers: Orphanet 84, MedGen C0015625, MeSH D005199, MONDO:0019391.

Allele frequency attached by ClinVar (database versions not stated): TOPMed below 0.00001; gnomAD exomes 0.00001 and 0.00002; ExAC 0.00003.
gnomAD v4.1: 13 of 1,610,978 alleles (0.00081%); highest among the groups gnomAD compares: South Asian, 0.0033%; no homozygotes.

Submissions (5):

Ambry Genetics
Classification: Uncertain significance for Inborn genetic diseases. Last evaluated: 2024-12-06. Review status: criteria provided, single submitter. Criteria: Ambry Variant Classification Scheme 2023. Collection method: clinical testing. Allele origin: germline.
Comment: The p.P1192L variant (also known as c.3575C>T), located in coding exon 36 of the FANCA gene, results from a C to T substitution at nucleotide position 3575. The proline at codon 1192 is replaced by leucine, an amino acid with similar properties. This amino acid position is conserved. In addition, this alteration is predicted to be tolerated by in silico analysis. Based on the available evidence, the clinical significance of this variant remains unclear.

Labcorp Genetics (formerly Invitae), Labcorp
Classification: Uncertain significance for Fanconi anemia. Last evaluated: 2022-08-22. Review status: criteria provided, single submitter. Criteria: Invitae Variant Classification Sherloc (09022015). Collection method: clinical testing. Allele origin: germline.
Comment: This sequence change replaces proline, which is neutral and non-polar, with leucine, which is neutral and non-polar, at codon 1192 of the FANCA protein (p.Pro1192Leu). This variant is present in population databases (rs780078373, gnomAD 0.004%). This variant has not been reported in the literature in individuals affected with FANCA-related conditions. ClinVar contains an entry for this variant (Variation ID: 884349). Advanced modeling of protein sequence and biophysical properties (such as structural, functional, and spatial information, amino acid conservation, physicochemical variation, residue mobility, and thermodynamic stability) performed at Invitae indicates that this missense variant is not expected to disrupt FANCA protein function. In summary, the available evidence is currently insufficient to determine the role of this variant in disease. Therefore, it has been classified as a Variant of Uncertain Significance.

Fulgent Genetics
Classification: Uncertain significance for Fanconi anemia complementation group A. Last evaluated: 2022-05-17. Review status: criteria provided, single submitter. Criteria: ACMG Guidelines, 2015. Collection method: clinical testing. Allele origin: unknown.

St. Jude Molecular Pathology, St. Jude Children's Research Hospital
Classification: Uncertain significance for Fanconi anemia. Last evaluated: 2021-06-03. Review status: criteria provided, single submitter. Criteria: St. Jude Assertion Criteria 2020. Collection method: clinical testing. Allele origin: germline.
Comment: The FANCA c.3575C>T (p.Pro1192Leu) missense change has a maximum subpopulation frequency of 0.0045% in gnomAD v2.1.1 (PM2_Supporting). In silico tools are not in agreement about the effect of this variant on protein function, but these predictions have not been confirmed by functional studies. To our knowledge, this variant has not been reported in individuals with Fanconi anemia. In summary, this variant meets criteria to be classified as of uncertain significance based on the ACMG/AMP criteria: PM2_Supporting.

Illumina Laboratory Services, Illumina
Classification: Uncertain significance for Fanconi anemia complementation group A. Last evaluated: 2018-01-13. Review status: criteria provided, single submitter. Criteria: ICSL Variant Classification Criteria 13 December 2019. Collection method: clinical testing. Allele origin: germline.

NM_000135.4(FANCA):c.3575C>T (p.Pro1192Leu)

Gene: FANCA (FA complementation group A; minus strand). Cytogenetic location: 16q24.3.
Variant type: single nucleotide variant.
Coding change: c.3575C>T on transcript NM_000135.4 (MANE Select); coding-DNA position 3575, C replaced by T.
Protein change: p.Pro1192Leu; replaces proline 1192 with leucine.
Molecular consequence: missense variant.
Genome position (GRCh38, 1-based): chr16:89,745,010, G>A on the plus strand (C>T on the coding strand, the complement: FANCA is on the minus strand). VCF-style: chr16-89745010-G-A. GRCh37 (hg19) VCF-style: chr16-89811418-G-A.
Other names: c.3575C>T, p.Pro1192Leu (NM_001286167.3); short protein forms P1192L.
Identifiers: ClinVar variation 884349 (VCV000884349.12), dbSNP rs780078373, ClinGen allele CA8251091.